The following is an entry in ClinVar:

ClinVar aggregate classification (germline): Pathogenic (1 of 4 stars; one submission).

Conditions:
Marfan syndrome (MFS). Also called: MARFAN SYNDROME, TYPE I; FBN1-Related Marfan Syndrome; Marfan syndrome type 1; Marfan's syndrome; Marfan syndrome, classic. Identifiers: Orphanet 284963, Orphanet 558, MedGen C0024796, MONDO:0007947, OMIM 154700.
Familial thoracic aortic aneurysm and aortic dissection (TAAD). Also called: Thoracic aortic aneurysms and dissections. Identifiers: Orphanet 91387, MedGen C4707243, MONDO:0019625.

Submission:

Labcorp Genetics (formerly Invitae), Labcorp
Classification: Pathogenic for Marfan syndrome; Familial thoracic aortic aneurysm and aortic dissection. Last evaluated: 2023-04-25. Review status: criteria provided, single submitter. Criteria: Invitae Variant Classification Sherloc (09022015). Collection method: clinical testing. Allele origin: germline.
Comment: For these reasons, this variant has been classified as Pathogenic. This variant disrupts a region of the FBN1 protein in which other variant(s) (p.Cys177Tyr) have been determined to be pathogenic (PMID: 18435798; Invitae). This suggests that this is a clinically significant region of the protein, and that variants that disrupt it are likely to be disease-causing. A similar copy number variant has been observed in individual(s) with Marfan syndrome (PMID: 28842177). This variant is a gross deletion of the genomic region encompassing exon(s) 6 of the FBN1 gene. This variant would be expected to be in-frame, preserving the integrity of the reading frame.

Literature cited by the submitters: PubMed 18435798; PubMed 28842177.

NC_000015.9:g.(?_48888460)_(48888595_?)del

Gene: FBN1 (fibrillin 1; minus strand). Cytogenetic location: 15q21.1.
Variant type: Deletion.
Identifiers: ClinVar variation 2422440 (VCV002422440.2).